The following is an entry in ClinVar:

NM_003872.3(NRP2):c.2595C>A (p.Ile865=)

Gene: NRP2 (neuropilin 2; plus strand). Cytogenetic location: 2q33.3.
Variant type: single nucleotide variant.
Coding change: c.2595C>A on transcript NM_003872.3 (MANE Select); coding-DNA position 2595, C replaced by A.
Protein change: p.Ile865=; no amino-acid change (isoleucine 865 retained).
Molecular consequence: synonymous variant.
Genome position (GRCh38, 1-based): chr2:205,794,872, C>A. VCF-style: chr2-205794872-C-A. GRCh37 (hg19) VCF-style: chr2-206659596-C-A.
Other names: c.2610C>A, p.Ile870= (NM_201266.2); c.2544C>A, p.Ile848= (NM_201279.2).
Identifiers: ClinVar variation 3351181 (VCV003351181.1).
Genomic context (GRCh38, chr2:205,794,872, plus strand): 5'-CTCGACCGACAAAGAAAAGAGCTGGCTGTACACCCTGGATCCCATCCTCATCACCATCAT[C>A]GCCATGAGCTCACTGGGCGTCCTCCTGGGGGCCACCTGTGCAGGCCTCCTGCTCTACTGC-3'
Protein context (NP_003863.2, residues 855-875): YTLDPILITI[Ile865=]AMSSLGVLLG

ClinVar aggregate classification (germline): Likely benign (0 of 4 stars; one submission).

Conditions:
NRP2-related disorder. Also called: NRP2-related condition.

gnomAD v4.1: 10 of 1,614,194 alleles (0.00062%); highest among the groups gnomAD compares: Non-Finnish European, 0.00085%; no homozygotes.

Submission:

PreventionGenetics, part of Exact Sciences
Classification: Likely benign for NRP2-related condition. Last evaluated: 2024-09-20. Review status: no assertion criteria provided. Collection method: clinical testing. Allele origin: germline.
Comment: This variant is classified as likely benign based on ACMG/AMP sequence variant interpretation guidelines (Richards et al. 2015 PMID: 25741868, with internal and published modifications).